The following is an entry in ClinVar:

ClinVar aggregate classification (germline): Likely pathogenic (1 of 4 stars; one submission).

Submission:

GeneDx
Classification: Likely pathogenic. Last evaluated: 2026-04-29. Review status: criteria provided, single submitter. Criteria: GeneDx Variant Classification Process June 2021. Collection method: clinical testing. Allele origin: germline.
Comment: Not observed at significant frequency in large population cohorts (gnomAD); Frameshift variant predicted to result in abnormal protein length as the last 52 amino acid(s) are replaced with 6 different amino acid(s); Has not been previously published as pathogenic or benign to our knowledge

NM_001318510.2(ACSL4):c.1855dup (p.Met619fs)

Gene: ACSL4 (acyl-CoA synthetase long chain family member 4; minus strand). Cytogenetic location: Xq23.
Variant type: Duplication.
Coding change: c.1855dup on transcript NM_001318510.2 (MANE Select); coding-DNA position 1855, one base duplicated (A; older notation c.1855dupA).
Protein change: p.Met619fs; shifts the reading frame from methionine 619.
Molecular consequence: frameshift variant.
Genome position (GRCh38, 1-based): chrX:109,659,354, T duplicated on the plus strand (A on the coding strand, the reverse complement: ACSL4 is on the minus strand). VCF-style (leftmost placement, unchanged base first): chrX-109659353-C-CT. GRCh37 (hg19) VCF-style: chrX-108902582-C-CT.
Other names: c.1978dup, p.Met660fs (NM_001318509.2, NM_022977.3); c.1855dup, p.Met619fs (NM_004458.3); short protein forms M619fs, M660fs.
Identifiers: ClinVar variation 3364111 (VCV003364111.2).